The following is an entry in ClinVar:

ClinVar aggregate classification (germline): Uncertain significance. Review status: criteria provided, multiple submitters, no conflicts (2 of 4 stars). 5 submissions from 4 submitters: Uncertain significance (5). Last evaluated 2025-10-01.

Conditions:
Cardiovascular phenotype. Identifiers: MedGen CN230736.
Hereditary cancer-predisposing syndrome. Also called: Tumor predisposition; Hereditary Cancer Syndrome; Hereditary neoplastic syndrome; Neoplastic Syndromes, Hereditary. Identifiers: Orphanet 140162, MedGen C0027672, MeSH D009386, MONDO:0015356.
Neurofibromatosis, type 1 (NF1). Also called: VON RECKLINGHAUSEN DISEASE; NEUROFIBROMATOSIS, TYPE I, SOMATIC; Peripheral type neurofibromatosis; Neurofibromatosis, type I. Identifiers: Orphanet 636, MedGen C0027831, MONDO:0018975, OMIM 162200. Disease mechanism: loss of function.
Juvenile myelomonocytic leukemia (JMML). Also called: LEUKEMIA, JUVENILE MYELOMONOCYTIC, SOMATIC. Identifiers: Orphanet 86834, MedGen C0349639, MONDO:0011908, OMIM 607785, HP:0012209.

gnomAD v4.1: 1 of 1,614,030 alleles (0.000062%); highest among the groups gnomAD compares: African/African-American, 0.0013%; no homozygotes.

Submissions (5):

Labcorp Genetics (formerly Invitae), Labcorp
Classification: Uncertain significance for Neurofibromatosis, type 1. Last evaluated: 2025-10-01. Review status: criteria provided, single submitter. Criteria: Invitae Variant Classification Sherloc (09022015). Collection method: clinical testing. Allele origin: germline.
Comment: This sequence change replaces leucine, which is neutral and non-polar, with phenylalanine, which is neutral and non-polar, at codon 1326 of the NF1 protein (p.Leu1326Phe). This variant is not present in population databases (gnomAD no frequency). This variant has not been reported in the literature in individuals affected with NF1-related conditions. ClinVar contains an entry for this variant (Variation ID: 233589). Invitae Evidence Modeling of protein sequence and biophysical properties (such as structural, functional, and spatial information, amino acid conservation, physicochemical variation, residue mobility, and thermodynamic stability) indicates that this missense variant is expected to disrupt NF1 protein function with a positive predictive value of 95%. In summary, the available evidence is currently insufficient to determine the role of this variant in disease. Therefore, it has been classified as a Variant of Uncertain Significance.

Baylor Genetics
Classification: Uncertain significance for Juvenile myelomonocytic leukemia. Last evaluated: 2023-11-20. Review status: criteria provided, single submitter. Criteria: ACMG Guidelines, 2015. Collection method: clinical testing. Allele origin: unknown.

Genome-Nilou Lab
Classification: Uncertain significance for Neurofibromatosis, type 1. Last evaluated: 2022-03-15. Review status: criteria provided, single submitter. Criteria: ACMG Guidelines, 2015. Collection method: clinical testing. Allele origin: germline. Affected: no.

Ambry Genetics
Classification: Uncertain significance for Cardiovascular phenotype; Hereditary cancer-predisposing syndrome. Last evaluated: 2019-10-01. Review status: criteria provided, single submitter. Criteria: Ambry Variant Classification Scheme 2023. Collection method: clinical testing. Allele origin: germline.

Ambry Genetics
Classification: Uncertain significance for Hereditary cancer-predisposing syndrome. Last evaluated: 2015-08-25. Review status: criteria provided, single submitter. Criteria: Ambry Autosomal Dominant and X-Linked criteria (10/2015). Collection method: clinical testing. Allele origin: germline. Observed: 1 variant allele.
Comment: The p.L1326F variant (also known as c.3978A>T), located in coding exon 30 of the NF1 gene, results from an A to T substitution at nucleotide position 3978. The leucine at codon 1326 is replaced by phenylalanine, an amino acid with highly similar properties. This variant was not reported in population based cohorts in the following databases: Database of Single Nucleotide Polymorphisms (dbSNP), NHLBI Exome Sequencing Project (ESP), and 1000 Genomes Project. In the ESP, this variant was not observed in 6503 samples (13006 alleles) with coverage at this position. To date, this alteration has been detected with an allele frequency of approximately 0.002% (greater than 55000 alleles tested) in our clinical cohort.This amino acid position is highly conserved in available vertebrate species. In addition, the in silico prediction for this alteration is inconclusive.Since supporting evidence is limited at this time, the clinical significance of p.L1326F remains unclear.

NM_001042492.3(NF1):c.3978A>T (p.Leu1326Phe)

Gene: NF1 (neurofibromin 1; plus strand). Cytogenetic location: 17q11.2.
Variant type: single nucleotide variant.
Coding change: c.3978A>T on transcript NM_001042492.3 (MANE Select); coding-DNA position 3978, A replaced by T.
Protein change: p.Leu1326Phe; replaces leucine 1326 with phenylalanine.
Molecular consequence: missense variant.
Genome position (GRCh38, 1-based): chr17:31,248,987, A>T. VCF-style: chr17-31248987-A-T. GRCh37 (hg19) VCF-style: chr17-29576005-A-T.
Other names: c.3978A>T, p.Leu1326Phe (NM_000267.4); short protein forms L1326F.
Identifiers: ClinVar variation 233589 (VCV000233589.14), dbSNP rs876660506, ClinGen allele CA10580303.